The following is an entry in ClinVar:

NM_004304.5(ALK):c.1382G>A (p.Cys461Tyr)

Gene: ALK (ALK receptor tyrosine kinase; minus strand). Cytogenetic location: 2p23.2.
Variant type: single nucleotide variant.
Coding change: c.1382G>A on transcript NM_004304.5 (MANE Select); coding-DNA position 1382, G replaced by A.
Protein change: p.Cys461Tyr; replaces cysteine 461 with tyrosine.
Molecular consequence: missense variant.
Genome position (GRCh38, 1-based): chr2:29,328,382, C>T on the plus strand (G>A on the coding strand, the complement: ALK is on the minus strand). VCF-style: chr2-29328382-C-T. GRCh37 (hg19) VCF-style: chr2-29551248-C-T.
Other names: short protein forms C461Y.
Identifiers: ClinVar variation 2752864 (VCV002752864.3), dbSNP rs2465459264, ClinGen allele CA346474166.

ClinVar aggregate classification (germline): Uncertain significance (1 of 4 stars; one submission).

Conditions:
Neuroblastoma, susceptibility to, 3. Also called: ALK-Related Neuroblastic Tumor Susceptibility. Identifiers: Orphanet 635, MedGen C2751681, MONDO:0013083, OMIM 613014.

Allele frequency attached by ClinVar (database versions not stated): gnomAD exomes below 0.00001.
gnomAD v4.1: 1 of 1,614,210 alleles (0.000062%); highest among the groups gnomAD compares: Non-Finnish European, 0.000085%; no homozygotes.

Submission:

Labcorp Genetics (formerly Invitae), Labcorp
Classification: Uncertain significance for Neuroblastoma, susceptibility to, 3. Last evaluated: 2023-08-16. Review status: criteria provided, single submitter. Criteria: Invitae Variant Classification Sherloc (09022015). Collection method: clinical testing. Allele origin: germline.
Comment: In summary, the available evidence is currently insufficient to determine the role of this variant in disease. Therefore, it has been classified as a Variant of Uncertain Significance. An algorithm developed to predict the effect of missense changes on protein structure and function (PolyPhen-2) suggests that this variant is likely to be disruptive. This variant has not been reported in the literature in individuals affected with ALK-related conditions. This variant is not present in population databases (gnomAD no frequency). This sequence change replaces cysteine, which is neutral and slightly polar, with tyrosine, which is neutral and polar, at codon 461 of the ALK protein (p.Cys461Tyr).